The following is an entry in ClinVar:

ClinVar aggregate classification (germline): Uncertain significance (1 of 4 stars; one submission).

Conditions:
Primary ciliary dyskinesia. Also called: Ciliary dyskinesia. Identifiers: Orphanet 244, MedGen C0008780, MONDO:0016575, HP:0012265.

Submission:

Ambry Genetics
Classification: Uncertain significance for Primary ciliary dyskinesia. Last evaluated: 2019-06-06. Review status: criteria provided, single submitter. Criteria: Ambry Variant Classification Scheme 2023. Collection method: clinical testing. Allele origin: germline.
Comment: The p.E1148G variant (also known as c.3443A>G), located in coding exon 18 of the DNAH11 gene, results from an A to G substitution at nucleotide position 3443. The glutamic acid at codon 1148 is replaced by glycine, an amino acid with similar properties. This amino acid position is not well conserved in available vertebrate species. In addition, this alteration is predicted to be tolerated by in silico analysis. Since supporting evidence is limited at this time, the clinical significance of this alteration remains unclear.

NM_001277115.2(DNAH11):c.3443A>G (p.Glu1148Gly)

Gene: DNAH11 (dynein axonemal heavy chain 11; plus strand). Cytogenetic location: 7p15.3.
Variant type: single nucleotide variant.
Coding change: c.3443A>G on transcript NM_001277115.2 (MANE Select); coding-DNA position 3443, A replaced by G.
Protein change: p.Glu1148Gly; replaces glutamic acid 1148 with glycine.
Molecular consequence: missense variant.
Genome position (GRCh38, 1-based): chr7:21,601,413, A>G. VCF-style: chr7-21601413-A-G. GRCh37 (hg19) VCF-style: chr7-21641031-A-G.
Other names: c.3443A>G, p.Glu1148Gly (NM_003777.3); short protein forms E1148G.
Identifiers: ClinVar variation 1731483 (VCV001731483.2), dbSNP rs2534635339, ClinGen allele CA366946812.